The following is an entry in ClinVar:

NM_015874.6(RBPJ):c.1023G>T (p.Val341=)

Gene: RBPJ (recombination signal binding protein for immunoglobulin kappa J region; plus strand). Cytogenetic location: 4p15.2.
Variant type: single nucleotide variant.
Coding change: c.1023G>T on transcript NM_015874.6 (MANE Select); coding-DNA position 1023, G replaced by T.
Protein change: p.Val341=; no amino-acid change (valine 341 retained).
Molecular consequence: synonymous variant. On other transcripts: intron variant (2).
Genome position (GRCh38, 1-based): chr4:26,430,032, G>T. VCF-style: chr4-26430032-G-T. GRCh37 (hg19) VCF-style: chr4-26431654-G-T.
Other names: c.1020G>T, p.Val340= (NM_001374401.1, NM_001374402.1, NM_001374403.1 and 3 more transcripts); c.1062G>T, p.Val354= (NM_005349.4, NM_001374400.1); c.957G>T, p.Val319= (NM_203283.5, NM_001363577.2); c.928-387G>T (NM_001379408.1); c.883-387G>T (NM_001379409.1).
Identifiers: ClinVar variation 2654704 (VCV002654704.24), dbSNP rs141228360, ClinGen allele CA438825857.

ClinVar aggregate classification (germline): Uncertain significance (1 of 4 stars; one submission).

Submission:

CeGaT Center for Human Genetics Tuebingen
Classification: Uncertain significance. Last evaluated: 2023-10-01. Review status: criteria provided, single submitter. Criteria: CeGaT Center For Human Genetics Tuebingen Variant Classification Criteria Version 2. Collection method: clinical testing. Allele origin: germline. Affected: yes. Observed: 1 variant allele.
Comment: RBPJ: PM2:Supporting, BP4